The following is an entry in ClinVar:

NM_194293.4(XIRP1):c.7G>A (p.Asp3Asn)

Gene: XIRP1 (xin actin binding repeat containing 1; minus strand). Cytogenetic location: 3p22.2.
Variant type: single nucleotide variant.
Coding change: c.7G>A on transcript NM_194293.4 (MANE Select); coding-DNA position 7, G replaced by A.
Protein change: p.Asp3Asn; replaces aspartic acid 3 with asparagine.
Molecular consequence: missense variant. On other transcripts: intron variant (1).
Genome position (GRCh38, 1-based): chr3:39,189,439, C>T on the plus strand (G>A on the coding strand, the complement: XIRP1 is on the minus strand). VCF-style: chr3-39189439-C-T. GRCh37 (hg19) VCF-style: chr3-39230930-C-T.
Other names: c.7G>A, p.Asp3Asn (NM_001198621.4); c.-168+3007G>A (NM_001351377.2); short protein forms D3N.
Identifiers: ClinVar variation 3053195 (VCV003053195.2), dbSNP rs2271488, ClinGen allele CA2326840.

ClinVar aggregate classification (germline): Likely benign (0 of 4 stars; one submission).

Conditions:
XIRP1-related disorder. Also called: XIRP1-related condition.

Allele frequency attached by ClinVar (database versions not stated): ExAC 0.00034; gnomAD exomes 0.00039; ESP Exome Variant Server 0.00070; 1000 Genomes Project 30x 0.00078; 1000 Genomes Project 0.00080; TOPMed 0.00085; gnomAD 0.00088.
gnomAD v4.1: 687 of 1,583,836 alleles (0.043%); highest among the groups gnomAD compares: East Asian, 0.96%; 2 homozygotes.

Submission:

PreventionGenetics, part of Exact Sciences
Classification: Likely benign for XIRP1-related condition. Last evaluated: 2022-08-02. Review status: no assertion criteria provided. Collection method: clinical testing. Allele origin: germline.
Comment: This variant is classified as likely benign based on ACMG/AMP sequence variant interpretation guidelines (Richards et al. 2015 PMID: 25741868, with internal and published modifications).